The following is an entry in ClinVar:

NM_006415.4(SPTLC1):c.707G>T (p.Arg236Leu)

Gene: SPTLC1 (serine palmitoyltransferase long chain base subunit 1; minus strand). Cytogenetic location: 9q22.31.
Variant type: single nucleotide variant.
Coding change: c.707G>T on transcript NM_006415.4 (MANE Select); coding-DNA position 707, G replaced by T.
Protein change: p.Arg236Leu; replaces arginine 236 with leucine.
Molecular consequence: missense variant.
Genome position (GRCh38, 1-based): chr9:92,055,478, C>A on the plus strand (G>T on the coding strand, the complement: SPTLC1 is on the minus strand). VCF-style: chr9-92055478-C-A. GRCh37 (hg19) VCF-style: chr9-94817760-C-A.
Other names: c.707G>T, p.Arg236Leu (NM_001281303.2); c.341G>T, p.Arg114Leu (NM_001368272.1); c.242G>T, p.Arg81Leu (NM_001368273.1); short protein forms R114L, R236L, R81L.
Identifiers: ClinVar variation 3723551 (VCV003723551.2).

ClinVar aggregate classification (germline): Uncertain significance (1 of 4 stars; one submission).

Conditions:
Hereditary sensory and autonomic neuropathy type 1 (HSAN1). Also called: HSAN 1; HSN Type I; Hereditary Sensory Neuropathy Type I. Identifiers: Orphanet 36386, MedGen C0020071, MONDO:0018213.

gnomAD v4.1: 11 of 1,613,586 alleles (0.00068%); highest among the groups gnomAD compares: Non-Finnish European, 0.00093%; no homozygotes.

Submission:

Labcorp Genetics (formerly Invitae), Labcorp
Classification: Uncertain significance for Hereditary sensory and autonomic neuropathy type 1. Last evaluated: 2024-01-04. Review status: criteria provided, single submitter. Criteria: Invitae Variant Classification Sherloc (09022015). Collection method: clinical testing. Allele origin: germline.
Comment: This sequence change replaces arginine, which is basic and polar, with leucine, which is neutral and non-polar, at codon 236 of the SPTLC1 protein (p.Arg236Leu). This variant is present in population databases (rs765970732, gnomAD 0.003%). This variant has not been reported in the literature in individuals affected with SPTLC1-related conditions. Advanced modeling of protein sequence and biophysical properties (such as structural, functional, and spatial information, amino acid conservation, physicochemical variation, residue mobility, and thermodynamic stability) performed at Invitae indicates that this missense variant is not expected to disrupt SPTLC1 protein function with a negative predictive value of 80%. In summary, the available evidence is currently insufficient to determine the role of this variant in disease. Therefore, it has been classified as a Variant of Uncertain Significance.